The following is an entry in ClinVar:

ClinVar aggregate classification (germline): Uncertain significance (1 of 4 stars; one submission).

Conditions:
Brugada syndrome 4 (BRGDA4). Identifiers: Orphanet 130, MedGen C2678477, MONDO:0012743, OMIM 611876.

Allele frequency attached by ClinVar (database versions not stated): gnomAD exomes below 0.00001 and 0.00001; ExAC 0.00002.
gnomAD v4.1: 3 of 1,614,042 alleles (0.00019%); highest among the groups gnomAD compares: East Asian, 0.0067%; no homozygotes.

Submission:

Labcorp Genetics (formerly Invitae), Labcorp
Classification: Uncertain significance for Brugada syndrome 4. Last evaluated: 2021-11-30. Review status: criteria provided, single submitter. Criteria: Invitae Variant Classification Sherloc (09022015). Collection method: clinical testing. Allele origin: germline.
Comment: Algorithms developed to predict the effect of sequence changes on RNA splicing suggest that this variant may create or strengthen a splice site. In summary, the available evidence is currently insufficient to determine the role of this variant in disease. Therefore, it has been classified as a Variant of Uncertain Significance. Algorithms developed to predict the effect of missense changes on protein structure and function are either unavailable or do not agree on the potential impact of this missense change (SIFT: "Deleterious"; PolyPhen-2: "Possibly Damaging"; Align-GVGD: "Class C0"). This sequence change replaces alanine, which is neutral and non-polar, with valine, which is neutral and non-polar, at codon 409 of the CACNB2 protein (p.Ala409Val). This variant is present in population databases (rs772842557, gnomAD 0.01%). This variant has not been reported in the literature in individuals affected with CACNB2-related conditions.

NM_201596.3(CACNB2):c.1388C>T (p.Ala463Val)

Gene: CACNB2 (calcium voltage-gated channel auxiliary subunit beta 2; plus strand). Cytogenetic location: 10p12.31.
Variant type: single nucleotide variant.
Coding change: c.1388C>T on transcript NM_201596.3 (MANE Select); coding-DNA position 1388, C replaced by T.
Protein change: p.Ala463Val; replaces alanine 463 with valine.
Molecular consequence: missense variant.
Genome position (GRCh38, 1-based): chr10:18,538,265, C>T. VCF-style: chr10-18538265-C-T. GRCh37 (hg19) VCF-style: chr10-18827194-C-T.
Other names: c.1223C>T, p.Ala408Val (NM_000724.4); c.1190C>T, p.Ala397Val (NM_001167945.2); c.1109C>T, p.Ala370Val (NM_001330060.2); c.1244C>T, p.Ala415Val (NM_201570.3); c.1304C>T, p.Ala435Val (NM_201571.4); c.1232C>T, p.Ala411Val (NM_201572.4); c.1226C>T, p.Ala409Val (NM_201590.3); c.1274C>T, p.Ala425Val (NM_201593.3); and 1 more; short protein forms A370V, A409V, A411V, A425V, A463V, A415V, A435V, A397V.
Identifiers: ClinVar variation 1432644 (VCV001432644.6), dbSNP rs772842557, ClinGen allele CA5430019.